The following is an entry in ClinVar:

NM_000718.4(CACNA1B):c.1974+8A>C

Gene: CACNA1B (calcium voltage-gated channel subunit alpha1 B; plus strand). Cytogenetic location: 9q34.3.
Variant type: single nucleotide variant.
Coding change: c.1974+8A>C on transcript NM_000718.4 (MANE Select); 8 bases into the intron after coding-DNA position 1974, A replaced by C.
Molecular consequence: intron variant.
Genome position (GRCh38, 1-based): chr9:137,986,862, A>C. VCF-style: chr9-137986862-A-C. GRCh37 (hg19) VCF-style: chr9-140881314-A-C.
Other names: c.1974+8A>C (NM_001243812.2).
Identifiers: ClinVar variation 1270476 (VCV001270476.13), dbSNP rs7034745, ClinGen allele CA5376319.
Genomic context (GRCh38, chr9:137,986,862, plus strand): 5'-CTCCCACAACCAACTTCGACACCTTCCCTGCCGCCATCCTCACTGTCTTCCAGGTAAGGC[A>C]CCTGCTCTGCACATTTGCGGCCTGCCCGGCTCCCGTCTCCCCTGGGTGCTGGGAAGGCGG-3'

ClinVar aggregate classification (germline): Benign. Review status: criteria provided, multiple submitters, no conflicts (2 of 4 stars). 5 submissions from 5 submitters: Benign (5). Last evaluated 2026-02-03.

Allele frequency attached by ClinVar (database versions not stated): ESP Exome Variant Server 0.30820; TOPMed 0.32682; 1000 Genomes Project 30x 0.41974; 1000 Genomes Project 0.42153.
gnomAD v4.1: 376,686 of 1,608,478 alleles (23%); highest among the groups gnomAD compares: East Asian, 66%; 55,361 homozygotes.

Submissions (5):

Labcorp Genetics (formerly Invitae), Labcorp
Classification: Benign. Last evaluated: 2026-02-03. Review status: criteria provided, single submitter. Criteria: Invitae Variant Classification Sherloc (09022015). Collection method: clinical testing. Allele origin: germline.

Blueprint Genetics
Classification: Benign. Last evaluated: 2024-11-27. Review status: criteria provided, single submitter. Criteria: ACMG Guidelines, 2015. Collection method: clinical testing. Allele origin: germline.

Unidad de Genómica Garrahan, Hospital de Pediatría Garrahan
Classification: Benign. Last evaluated: 2024-07-31. Review status: criteria provided, single submitter. Criteria: ACMG Guidelines, 2015. Collection method: clinical testing. Allele origin: germline. Affected: no. Observed: 28 variant alleles.
Comment: This variant is classified as Benign based on local population frequency. This variant was detected in 30% of patients studied in a panel designed for Epileptic and Developmental Encephalopathy, Progressive Myoclonus Epilepsy and Abnormal Movements and Neurodegeneration with brain iron accumulation. Number of patients: 28. Only high quality variants are reported.

GeneDx
Classification: Benign. Last evaluated: 2021-03-28. Review status: criteria provided, single submitter. Criteria: GeneDx Variant Classification Process June 2021. Collection method: clinical testing. Allele origin: germline. Affected: yes.

Breakthrough Genomics
Classification: Benign. Review status: criteria provided, single submitter. Criteria: ACMG Guidelines, 2015. Collection method: not provided. Allele origin: germline. Inheritance: Autosomal recessive inheritance. Affected: yes.